The following is an entry in ClinVar:

ClinVar aggregate classification (germline): Uncertain significance. Review status: criteria provided, multiple submitters, no conflicts (2 of 4 stars). 4 submissions from 4 submitters: Uncertain significance (3). 1 of the submissions does not count toward it. Last evaluated 2022-03-02.

Conditions:
CHEK2-related disorder.
Hereditary breast ovarian cancer syndrome. Also called: Hereditary breast and ovarian cancer syndrome; Hereditary breast and ovarian cancer syndrome (HBOC); BRCA1- and BRCA2-Associated Hereditary Breast and Ovarian Cancer; Hereditary breast and ovarian cancer; Breast and ovarian cancer; Hereditary breast and/or ovarian cancer syndrome. Identifiers: Orphanet 145, MedGen C0677776, MeSH D061325, MONDO:0003582. Disease mechanism: loss of function.
Bone osteosarcoma. Also called: Osteosarcoma, somatic. Identifiers: Orphanet 668, MedGen C0585442, MONDO:0002629, OMIM 259500.
Familial cancer of breast. Also called: BREAST CANCER, FAMILIAL; hereditary breast carcinoma; Hereditary breast cancer. Identifiers: Orphanet 227535, MedGen C0346153, MONDO:0016419, OMIM 114480. Disease mechanism: loss of function.
Colorectal cancer. Also called: Malignant Colorectal Neoplasm; Colorectal cancer, somatic. Identifiers: MedGen C0346629, MONDO:0005575, OMIM 114500.
Prostate cancer. Also called: Malignant tumor of prostate. Identifiers: Orphanet 1331, MedGen C0376358, MONDO:0008315, HP:0012125.
CHEK2-related cancer predisposition (TPDS4). Also called: CHEK2-related cancer susceptibility; TUMOR PREDISPOSITION SYNDROME 4; CANCER PREDISPOSITION SYNDROME, CHEK2-RELATED. Identifiers: Orphanet 524, MedGen C5882668, MONDO:0700271, OMIM 609265.

Allele frequency attached by ClinVar (database versions not stated): TOPMed 0.00006.
gnomAD v4.1: 22 of 684,650 alleles (0.0032%); highest among the groups gnomAD compares: African/African-American, 0.011%; no homozygotes.

Submissions (4):

Fulgent Genetics
Classification: Uncertain significance for Familial cancer of breast; Colorectal cancer; Familial prostate cancer; Bone osteosarcoma; CHEK2-related cancer predisposition. Last evaluated: 2022-03-02. Review status: criteria provided, single submitter. Criteria: ACMG Guidelines, 2015. Collection method: clinical testing. Allele origin: unknown.

Cancer Genomics Group, Japanese Foundation For Cancer Research
Classification: Uncertain significance for Hereditary breast and ovarian cancer syndrome. Last evaluated: 2019-05-01. Review status: criteria provided, single submitter. Criteria: ACMG Guidelines, 2015. Collection method: research. Allele origin: germline. Affected: yes.

Mendelics
Classification: Uncertain significance for Familial cancer of breast. Last evaluated: 2018-07-02. Review status: criteria provided, single submitter. Criteria: Mendelics Assertion Criteria 2017. Collection method: clinical testing. Allele origin: unknown.

PreventionGenetics, part of Exact Sciences
Classification: Uncertain significance for CHEK2-related condition. Last evaluated: 2024-07-22. Review status: no assertion criteria provided. Collection method: clinical testing. Allele origin: germline. Not counted in ClinVar's aggregate classification.
Comment: The CHEK2 c.430C>T variant is predicted to result in the amino acid substitution p.Arg144Trp. This variant corresponds to a deep intronic position in the primary CHEK2 transcript (NM_007194.3:c.319+3965C>T). To our knowledge, this variant has not been reported in the literature. This variant is reported in 0.014% of alleles in individuals of African descent in gnomAD and is interpreted as uncertain significance in ClinVar. Although we suspect that this variant may be benign, at this time, the clinical significance of this variant is uncertain due to the absence of conclusive functional and genetic evidence.

NM_007194.4(CHEK2):c.319+3965C>T

Gene: CHEK2 (checkpoint kinase 2; minus strand). Cytogenetic location: 22q12.1.
Variant type: single nucleotide variant.
Coding change: c.319+3965C>T on transcript NM_007194.4 (MANE Select); 3965 bases into the intron after coding-DNA position 319, C replaced by T.
Molecular consequence: intron variant. On other transcripts: missense variant (2).
Genome position (GRCh38, 1-based): chr22:28,730,438, G>A on the plus strand (C>T on the coding strand, the complement: CHEK2 is on the minus strand). VCF-style: chr22-28730438-G-A. GRCh37 (hg19) VCF-style: chr22-29126426-G-A.
Other names: c.430C>T, p.Arg144Trp (NM_001005735.3, NM_001438294.1); c.-344-5071C>T (NM_001437942.1); c.319+3965C>T (NM_001349956.3, NM_145862.3); c.-459+3965C>T (NM_001257387.3); c.412+18C>T (NM_001438295.1, NM_001438293.1); c.430C>T (NM_001005735.1); short protein forms R144W.
Identifiers: ClinVar variation 584994 (VCV000584994.7), dbSNP rs766676371, ClinGen allele CA322996978.